The following is an entry in ClinVar:

NM_002633.3(PGM1):c.1600-13_1600-12del

Gene: PGM1 (phosphoglucomutase 1; plus strand). Cytogenetic location: 1p31.3.
Variant type: Deletion.
Coding change: c.1600-13_1600-12del on transcript NM_002633.3 (MANE Select); 13 bases into the intron before coding-DNA position 1600 through 12 bases into the intron before coding-DNA position 1600, 2 bases deleted (AT; older notation c.1600-13_1600-12delAT).
Molecular consequence: intron variant.
Genome position (GRCh38, 1-based): chr1:63,659,573-63,659,574, AT deleted; deleting any 2 consecutive bases within chr1:63,659,572-63,659,574 gives the same sequence; the c. name uses the placement nearest the transcript's 3' end. VCF-style (leftmost placement, unchanged base first): chr1-63659571-CTA-C. GRCh37 (hg19) VCF-style: chr1-64125242-CTA-C.
Other names: c.1009-13_1009-12del (NM_001172819.2); c.1654-13_1654-12del (NM_001172818.1); c.1600-13_1600-12delAT (NM_002633.2).
Identifiers: ClinVar variation 421204 (VCV000421204.1), dbSNP rs1064794974, ClinGen allele CA16617177.
Genomic context (GRCh38, chr1:63,659,571, plus strand): 5'-AGACGTACGGGTTTGGAGCTAAGCATCTGTGTTTAGAGGAAGTGATGGAAAAGCTTCTCT[CTA>C]TGTCTTCCTCAGGTCATGTTGGCCCCCCTTATTTCCATTGCTCTGAAAGTGTCCCAGCTG-3'

ClinVar aggregate classification (germline): Likely benign (1 of 4 stars; one submission).

Submission:

GeneDx
Classification: Likely benign. Last evaluated: 2016-06-13. Review status: criteria provided, single submitter. Criteria: GeneDx Variant Classification (06012015). Collection method: clinical testing. Allele origin: germline. Affected: yes.
Comment: This variant is considered likely benign or benign based on one or more of the following criteria: it is a conservative change, it occurs at a poorly conserved position in the protein, it is predicted to be benign by multiple in silico algorithms, and/or has population frequency not consistent with disease.